The following is an entry in ClinVar:

NM_000202.8(IDS):c.517G>A (p.Gly173Arg)

Genes: IDS (iduronate 2-sulfatase; minus strand), LOC106050102 (IDS recombination region; plus strand). Cytogenetic location: Xq28.
Variant type: single nucleotide variant.
Coding change: c.517G>A on transcript NM_000202.8 (MANE Select); coding-DNA position 517, G replaced by A.
Protein change: p.Gly173Arg; replaces glycine 173 with arginine.
Molecular consequence: missense variant. On other transcripts: non-coding transcript variant (1).
Genome position (GRCh38, 1-based): chrX:149,498,298, C>T on the plus strand (G>A on the coding strand, the complement: IDS is on the minus strand). VCF-style: chrX-149498298-C-T. GRCh37 (hg19) VCF-style: chrX-148579829-C-T.
Other names: c.247G>A, p.Gly83Arg (NM_001166550.4); c.517G>A, p.Gly173Arg (NM_006123.5); c.517G>A (NM_000202.5); short protein forms G83R, G173R.
Identifiers: ClinVar variation 2074482 (VCV002074482.5), dbSNP rs144334959, ClinGen allele CA10537639.

ClinVar aggregate classification (germline): Conflicting classifications of pathogenicity. Review status: criteria provided, conflicting classifications (1 of 4 stars). 2 submissions from 2 submitters: Uncertain significance (1); Likely benign (1). Last evaluated 2026-07-08.

Conditions:
Inborn genetic diseases. Identifiers: MedGen C0950123, MeSH D030342.
Mucopolysaccharidosis, MPS-II (MPS2). Also called: IDS deficiency; Sulfoiduronate sulfatase deficiency; SIDS deficiency; Mucopolysaccharidosis with skin involvement; Attenuated MPS (subtype; formerly known as mild MPS II); Severe MPS II. Identifiers: Orphanet 580, Orphanet 79388, MedGen C0026705, MONDO:0010674, OMIM 309900.

Allele frequency attached by ClinVar (database versions not stated): ESP Exome Variant Server 0.00009; TOPMed 0.00002; ExAC 0.00001; gnomAD 0.00003.
gnomAD v4.1: 9 of 1,207,021 alleles (0.00075%); highest among the groups gnomAD compares: African/African-American, 0.007%; no homozygotes.

Submissions (2):

Ambry Genetics
Classification: Uncertain significance for Inborn genetic diseases. Last evaluated: 2026-07-08. Review status: criteria provided, single submitter. Criteria: Ambry Variant Classification Scheme 2023. Collection method: clinical testing. Allele origin: germline.
Comment: The c.517G>A (p.G173R) alteration is located in exon 5 (coding exon 5) of the IDS gene. This alteration results from a G to A substitution at nucleotide position 517, causing the glycine (G) at amino acid position 173 to be replaced by an arginine (R). Based on data from gnomAD, the A allele has an overall frequency of 0.001% (2/203984) total alleles studied. The highest observed frequency was 0.005% (1/19019) of African alleles. Based on insufficient or conflicting evidence, the clinical significance of this alteration remains unclear.

Labcorp Genetics (formerly Invitae), Labcorp
Classification: Likely benign for Mucopolysaccharidosis, MPS-II. Last evaluated: 2024-05-06. Review status: criteria provided, single submitter. Criteria: Invitae Variant Classification Sherloc (09022015). Collection method: clinical testing. Allele origin: germline.